The following is an entry in ClinVar:

ClinVar aggregate classification (germline): Pathogenic (1 of 4 stars; one submission).

Conditions:
Usher syndrome type 1 (USH1). Also called: RETINITIS PIGMENTOSA AND CONGENITAL DEAFNESS. Identifiers: Orphanet 231169, Orphanet 886, MedGen C1568247, MONDO:0010168, OMIM 276900.

Submission:

Myriad Genetics, Inc.
Classification: Pathogenic for Usher syndrome type 1. Last evaluated: 2024-11-22. Review status: criteria provided, single submitter. Criteria: Myriad Autosomal Dominant, Autosomal Recessive and X-Linked Classification Criteria (2023). Collection method: clinical testing. Allele origin: unknown.
Comment: NM_000260.3(MYO7A):c.532delA(I178Sfs*85) is expected to be pathogenic in the context of MYO7A-related disorders. This variant is predicted to lead to an abnormal or absent protein product due to the creation of a premature termination codon in MYO7A, a gene where loss-of-function variants are known to be pathogenic. Please note: this variant was assessed in the context of healthy population screening.

NM_000260.4(MYO7A):c.532del (p.Ile178fs)

Gene: MYO7A (myosin VIIA; plus strand). Cytogenetic location: 11q13.5.
Variant type: Deletion.
Coding change: c.532del on transcript NM_000260.4 (MANE Select); coding-DNA position 532, one base deleted (A; older notation c.532delA).
Protein change: p.Ile178fs; shifts the reading frame from isoleucine 178.
Molecular consequence: frameshift variant.
Genome position (GRCh38, 1-based): chr11:77,156,721, A deleted. VCF-style (leftmost placement, unchanged base first): chr11-77156720-CA-C. GRCh37 (hg19) VCF-style: chr11-76867766-CA-C.
Other names: c.532del, p.Ile178fs (NM_001127180.2); c.499del, p.Ile167fs (NM_001369365.1); short protein forms I167fs, I178fs.
Identifiers: ClinVar variation 5013788 (VCV005013788.1).